The following is an entry in ClinVar:

ClinVar aggregate classification (germline): Uncertain significance (1 of 4 stars; one submission).

Conditions:
Dilated cardiomyopathy 1J (CMD1J). Also called: CARDIOMYOPATHY, DILATED, WITH SENSORINEURAL HEARING LOSS, AUTOSOMAL DOMINANT. Identifiers: Orphanet 217622, MedGen C1854368, MONDO:0011541, OMIM 605362.

Submission:

Labcorp Genetics (formerly Invitae), Labcorp
Classification: Uncertain significance for Dilated cardiomyopathy 1J. Last evaluated: 2024-03-07. Review status: criteria provided, single submitter. Criteria: Invitae Variant Classification Sherloc (09022015). Collection method: clinical testing. Allele origin: germline.
Comment: This sequence change replaces glycine, which is neutral and non-polar, with valine, which is neutral and non-polar, at codon 129 of the EYA4 protein (p.Gly129Val). This variant is not present in population databases (gnomAD no frequency). This variant has not been reported in the literature in individuals affected with EYA4-related conditions. ClinVar contains an entry for this variant (Variation ID: 465985). An algorithm developed to predict the effect of missense changes on protein structure and function (PolyPhen-2) suggests that this variant is likely to be disruptive. In summary, the available evidence is currently insufficient to determine the role of this variant in disease. Therefore, it has been classified as a Variant of Uncertain Significance.

NM_004100.5(EYA4):c.386G>T (p.Gly129Val)

Gene: EYA4 (EYA transcriptional coactivator and phosphatase 4; plus strand). Cytogenetic location: 6q23.2.
Variant type: single nucleotide variant.
Coding change: c.386G>T on transcript NM_004100.5 (MANE Select); coding-DNA position 386, G replaced by T.
Protein change: p.Gly129Val; replaces glycine 129 with valine.
Molecular consequence: missense variant.
Genome position (GRCh38, 1-based): chr6:133,461,129, G>T. VCF-style: chr6-133461129-G-T. GRCh37 (hg19) VCF-style: chr6-133782267-G-T.
Other names: c.224G>T, p.Gly75Val (NM_001301012.2, NM_001370459.1); c.386G>T, p.Gly129Val (NM_001301013.2, NM_172105.4); c.317G>T, p.Gly106Val (NM_001370458.1, NM_172103.4); short protein forms G129V, G106V, G75V.
Identifiers: ClinVar variation 465985 (VCV000465985.8), dbSNP rs1554261713, ClinGen allele CA365695951.